The following is an entry in ClinVar:

GRCh38/hg38 2p16.3(chr2:50665709-50856331)x1

Genes: MIR8485 (microRNA 8485; minus strand), NRXN1 (neurexin 1; minus strand). Cytogenetic location: 2p16.3.
Variant type: copy number loss.
Change: copy number 1 (one copy instead of two) of chr2:50,665,709-50,856,331 (190.6 kb, GRCh38 coordinates, 1-based), cytogenetic band 2p16.3.
Identifiers: ClinVar variation 147766 (VCV000147766.3).

ClinVar aggregate classification (germline): Uncertain significance (0 of 4 stars; one submission).

Submission:

ISCA site 1
Classification: Uncertain significance. Last evaluated: 2018-02-09. Review status: no assertion criteria provided. Collection method: clinical testing. Allele origin: unknown. Affected: yes. Observed: 1 variant allele.
Comment: Unsure if coding sequence included due to older array design

Copy number variation identified through the course of routine clinical cytogenomic testing in postnatal populations, with clinical assertions as classified by the original submitter. For data from the original published study, Kaminsky, et al. 2011 (PubMed 21844811), please see nstd101.